The following is an entry in ClinVar:

NC_000006.11:g.(64709077_64776230)_(64791896_64940484)del

Gene: EYS (EGF-like photoreceptor maintenance factor; minus strand). Cytogenetic location: 6q12.
Variant type: Deletion.
Identifiers: ClinVar variation 2429173 (VCV002429173.3).

ClinVar aggregate classification (germline): Pathogenic (1 of 4 stars; one submission).

Conditions:
Retinitis pigmentosa (RP). Identifiers: Orphanet 791, MedGen C0035334, MeSH D012174, MONDO:0019200, OMIM 268000. Inheritance: Autosomal dominant, autosomal recessive and X linked inheritance.

Submission:

Women's Health and Genetics/Laboratory Corporation of America, LabCorp
Classification: Pathogenic for Retinitis pigmentosa. Last evaluated: 2023-01-12. Review status: criteria provided, single submitter. Criteria: LabCorp Variant Classification Summary - May 2015. Collection method: clinical testing. Allele origin: germline.
Comment: Variant summary: The variant identified by MLPA or other technology involves the deletion of exons 32-33 in the EYS gene. A presumed nomenclature of c.(6424+1_6425-1)_(6725+1_6726-1)del has been designated for the purposes of this classification. Although exact breakpoints of this deletion are not known, it is expected to result in a frameshift in the EYS gene, a known mechanism of disease. The variant allele was found at a frequency of 4.6e-05 in 21694 control chromosomes (gnomAD database, structural variants dataset). The variant c.(6424+1_6425-1)_(6725+1_6726-1)del has been reported in the literature in 2 homozygous siblings affected with Retinitis Pigmentosa, who inherited the variant from the heterozygous parents (Audo_2010). These data indicate that the variant is likely to be associated with disease. To our knowledge, no experimental evidence demonstrating an impact on protein function has been reported. One clinical diagnostic laboratory has submitted clinical-significance assessments for this variant to ClinVar after 2014, and classified the variant as pathogenic. Based on the evidence outlined above, the variant was classified as pathogenic.

Literature cited by the submitters: PubMed 20333770.